The following is an entry in ClinVar:

NM_000049.4(ASPA):c.509T>C (p.Ile170Thr)

Genes: ASPA (aspartoacylase; plus strand), SPATA22 (spermatogenesis associated 22; minus strand). Cytogenetic location: 17p13.2.
Variant type: single nucleotide variant.
Coding change: c.509T>C on transcript NM_000049.4 (MANE Select); coding-DNA position 509, T replaced by C.
Protein change: p.Ile170Thr; replaces isoleucine 170 with threonine.
Molecular consequence: missense variant. On other transcripts: intron variant (2).
Genome position (GRCh38, 1-based): chr17:3,483,575, T>C. VCF-style: chr17-3483575-T-C. GRCh37 (hg19) VCF-style: chr17-3386869-T-C.
Other names: c.509T>C, p.Ile170Thr (NM_001128085.1); c.-73-14177A>G (NM_001321336.2, NM_001321337.2); short protein forms I170T.
Identifiers: ClinVar variation 322633 (VCV000322633.71), dbSNP rs144321760, ClinGen allele CA8288948.

ClinVar aggregate classification (germline): Conflicting classifications of pathogenicity. Review status: criteria provided, conflicting classifications (1 of 4 stars). 12 submissions from 12 submitters: Pathogenic (1); Likely pathogenic (1); Uncertain significance (4). 6 of the submissions do not count toward it. Last evaluated 2026-01-28.

Conditions:
Spongy degeneration of central nervous system. Also called: Canavan disease; AMINOACYLASE 2 DEFICIENCY; ACY2 DEFICIENCY; ASP DEFICIENCY; ASPA DEFICIENCY; ASPARTOACYLASE DEFICIENCY. Identifiers: Orphanet 141, MedGen C0206307, MONDO:0010079, OMIM 271900.
Canavan Disease, Familial Form. Identifiers: MedGen C0751663.
Intellectual disability. Also called: Intellectual developmental disorder; intellectual disabilities; Intellectual functioning disability. Identifiers: MedGen C3714756, MeSH D008607, MONDO:0001071, HP:0001249.

Allele frequency attached by ClinVar (database versions not stated): ESP Exome Variant Server 0.00100; TOPMed 0.00056; gnomAD 0.00067 and 0.00071; gnomAD exomes 0.00072 and 0.00037; ExAC 0.00031.
gnomAD v4.1: 1,144 of 1,613,502 alleles (0.071%); highest among the groups gnomAD compares: Non-Finnish European, 0.092%; 1 homozygote.

Submissions (12):

Labcorp Genetics (formerly Invitae), Labcorp
Classification: Pathogenic for Spongy degeneration of central nervous system. Last evaluated: 2026-01-28. Review status: criteria provided, single submitter. Criteria: Invitae Variant Classification Sherloc (09022015). Collection method: clinical testing. Allele origin: germline.
Comment: This sequence change replaces isoleucine, which is neutral and non-polar, with threonine, which is neutral and polar, at codon 170 of the ASPA protein (p.Ile170Thr). This variant is present in population databases (rs144321760, gnomAD 0.09%). This missense change has been observed in individual(s) with Canavan disease (PMID: 28101991, 29453510). ClinVar contains an entry for this variant (Variation ID: 322633). Invitae Evidence Modeling of protein sequence and biophysical properties (such as structural, functional, and spatial information, amino acid conservation, physicochemical variation, residue mobility, and thermodynamic stability) has been performed for this missense variant. However, the output from this modeling did not meet the statistical confidence thresholds required to predict the impact of this variant on ASPA protein function. Experimental studies have shown that this missense change affects ASPA function (PMID: 28101991). For these reasons, this variant has been classified as Pathogenic.

Women's Health and Genetics/Laboratory Corporation of America, LabCorp
Classification: Likely pathogenic for Canavan Disease, Familial Form. Last evaluated: 2025-05-19. Review status: criteria provided, single submitter. Criteria: LabCorp Variant Classification Summary - May 2015. Collection method: clinical testing. Allele origin: germline.
Comment: Variant summary: ASPA c.509T>C (p.Ile170Thr) results in a non-conservative amino acid change in the encoded protein sequence. Algorithms developed to predict the effect of missense changes on protein structure and function all suggest that this variant is likely to be disruptive. The variant allele was found at a frequency of 0.00071 in 1613502 control chromosomes in the gnomAD database, including 1 homozygote. This frequency is not significantly higher than estimated for a pathogenic variant in ASPA causing Canavan Disease (0.00071 vs 0.0079), allowing no conclusion about variant significance. c.509T>C has been reported in the literature as homozygous and presumed compound heterozygous genotypes in at least 3 individuals with mild elevations in levels of N-acetyl aspartate and variable presentations of Canvan Disease (example, Mendes_2017, Coene_2018). These reports do not provide unequivocal conclusions about association of the variant with Canavan Disease. At least one publication reports experimental evidence evaluating an impact on protein function. The most pronounced variant effect results in <10% of normal Aspartocyclase enzyme activity in HEK293 transfected cells (5.5% of WT), although the authors interpret this finding as having relatively higher residual enzyme activity (Mendes_2017). ClinVar contains an entry for this variant (Variation ID: 322633). Based on the evidence outlined above, the variant was classified as likely pathogenic.

Greenwood Genetic Center Diagnostic Laboratories, Greenwood Genetic Center
Classification: Uncertain significance. Last evaluated: 2025-05-01. Review status: criteria provided, single submitter. Criteria: ACMG Guidelines, 2015. Collection method: clinical testing. Allele origin: germline. Affected: yes.
Comment: PS3_Supporting, PP3

Blueprint Genetics
Classification: Uncertain significance. Last evaluated: 2024-09-12. Review status: criteria provided, single submitter. Criteria: ACMG Guidelines, 2015. Collection method: clinical testing. Allele origin: germline.

Genome-Nilou Lab
Classification: Uncertain significance for Spongy degeneration of central nervous system. Last evaluated: 2021-11-07. Review status: criteria provided, single submitter. Criteria: ACMG Guidelines, 2015. Collection method: clinical testing. Allele origin: germline. Affected: no.

Fulgent Genetics
Classification: Uncertain significance for Spongy degeneration of central nervous system. Last evaluated: 2018-10-31. Review status: criteria provided, single submitter. Criteria: ACMG Guidelines, 2015. Collection method: clinical testing. Allele origin: unknown.

Centre de Biologie Pathologie Génétique, Centre Hospitalier Universitaire de Lille
Classification: Uncertain significance for Intellectual disability. Last evaluated: 2019-01-01. Review status: no assertion criteria provided. Collection method: clinical testing. Allele origin: unknown. Affected: yes. Not counted in ClinVar's aggregate classification.

Natera, Inc.
Classification: Uncertain significance for Canavan Disease. Last evaluated: 2018-11-14. Review status: no assertion criteria provided. Collection method: clinical testing. Allele origin: germline. Not counted in ClinVar's aggregate classification.

Counsyl
Classification: Uncertain significance for Spongy degeneration of central nervous system. Last evaluated: 2017-10-06. Review status: no assertion criteria provided. Collection method: clinical testing. Allele origin: unknown. Not counted in ClinVar's aggregate classification.

Clinical Genetics DNA and cytogenetics Diagnostics Lab, Erasmus MC, Erasmus Medical Center
Classification: Uncertain significance. Review status: no assertion criteria provided. Collection method: clinical testing. Allele origin: germline. Affected: yes. Study: VKGL Data-share Consensus. Not counted in ClinVar's aggregate classification.

Diagnostic Laboratory, Department of Genetics, University Medical Center Groningen
Classification: Uncertain significance. Review status: no assertion criteria provided. Collection method: clinical testing. Allele origin: germline. Affected: yes. Study: VKGL Data-share Consensus. Not counted in ClinVar's aggregate classification.

Joint Genome Diagnostic Labs from Nijmegen and Maastricht, Radboudumc and MUMC+
Classification: Uncertain significance. Review status: no assertion criteria provided. Collection method: clinical testing. Allele origin: germline. Affected: yes. Study: VKGL Data-share Consensus. Not counted in ClinVar's aggregate classification.

Literature cited by the submitters: PubMed 28101991 (cited by 3 submitters); PubMed 29453510 (cited by Labcorp Genetics (formerly Invitae), Labcorp and Women's Health and Genetics/Laboratory Corporation of America, LabCorp).